The following is an entry in ClinVar:

ClinVar aggregate classification (germline): Uncertain significance. Review status: criteria provided, multiple submitters, no conflicts (2 of 4 stars). 2 submissions from 2 submitters: Uncertain significance (2). Last evaluated 2022-12-15.

Conditions:
Inborn genetic diseases. Identifiers: MedGen C0950123, MeSH D030342.

Allele frequency attached by ClinVar (database versions not stated): gnomAD exomes 0.00001.

Submissions (2):

Ambry Genetics
Classification: Uncertain significance for Inborn genetic diseases. Last evaluated: 2022-12-15. Review status: criteria provided, single submitter. Criteria: Ambry Variant Classification Scheme 2023. Collection method: clinical testing. Allele origin: germline.

Laboratory for Molecular Medicine, Mass General Brigham Personalized Medicine
Classification: Uncertain significance. Last evaluated: 2020-09-04. Review status: criteria provided, single submitter. Criteria: LMM Criteria. Collection method: clinical testing. Allele origin: germline. Observed: 1 variant allele.
Comment: The p.Met161Leu variant in USH1G has not been previously reported in individuals with Usher syndrome or hearing loss, but has been identified in 0.005% (2/34484) of Latino chromosomes by gnomAD. Computational prediction tools and conservation analyses do not provide strong support for or against an impact to the protein. In summary, the clinical significance of this variant is uncertain. ACMG/AMP Criteria applied: PM2.

NM_173477.5(USH1G):c.481A>C (p.Met161Leu)

Gene: USH1G (USH1 protein network component sans; minus strand). Cytogenetic location: 17q25.1.
Variant type: single nucleotide variant.
Coding change: c.481A>C on transcript NM_173477.5 (MANE Select); coding-DNA position 481, A replaced by C.
Protein change: p.Met161Leu; replaces methionine 161 with leucine.
Molecular consequence: missense variant.
Genome position (GRCh38, 1-based): chr17:74,920,355, T>G on the plus strand (A>C on the coding strand, the complement: USH1G is on the minus strand). VCF-style: chr17-74920355-T-G. GRCh37 (hg19) VCF-style: chr17-72916450-T-G.
Other names: c.172A>C, p.Met58Leu (NM_001282489.3); c.481A>C (NM_173477.2); short protein forms M161L, M58L.
Identifiers: ClinVar variation 1120135 (VCV001120135.7), dbSNP rs1167902295, ClinGen allele CA400965168.